The following is an entry in ClinVar:

NM_000018.4(ACADVL):c.1679-6G>A

Gene: ACADVL (acyl-CoA dehydrogenase very long chain; plus strand). Cytogenetic location: 17p13.1.
Variant type: single nucleotide variant.
Coding change: c.1679-6G>A on transcript NM_000018.4 (MANE Select); 6 bases into the intron before coding-DNA position 1679, G replaced by A.
Molecular consequence: intron variant.
Genome position (GRCh38, 1-based): chr17:7,224,636, G>A. VCF-style: chr17-7224636-G-A. GRCh37 (hg19) VCF-style: chr17-7127955-G-A.
Other names: c.1748-6G>A (NM_001270447.2); c.1451-6G>A (NM_001270448.2); c.1613-6G>A (NM_001033859.3).
Identifiers: ClinVar variation 21019 (VCV000021019.36), dbSNP rs113994171, ClinGen allele CA312281.
Genomic context (GRCh38, chr17:7,224,636, plus strand): 5'-GCCCCTCCCTTTCCTCTCCTTGAGACTAATGCCCCCACCCCCACCCCCACCCCACCTACC[G>A]GACAGATGAACAGTTTCTGCTGCAGCGGCTGGCAGACGGGGCCATCGACCTCTATGCCAT-3'

ClinVar aggregate classification (germline): Likely pathogenic. Review status: reviewed by expert panel (3 of 4 stars). 11 submissions from 11 submitters: Likely pathogenic (1). 10 of the submissions do not count toward it. Last evaluated 2022-12-14.

Conditions:
ACADVL-related disorder. Also called: ACADVL-related condition.
Very long chain acyl-CoA dehydrogenase deficiency (ACADVLD). Also called: VLCAD Deficiency; Very Long-Chain Acyl-Coenzyme A Dehydrogenase Deficiency. Identifiers: Orphanet 26793, MedGen C3887523, MONDO:0008723, OMIM 201475.

Allele frequency attached by ClinVar (database versions not stated): gnomAD exomes 0.00002; ExAC 0.00004; gnomAD 0.00006; ESP Exome Variant Server 0.00008; 1000 Genomes Project 0.00020; 1000 Genomes Project 30x 0.00031.
gnomAD v4.1: 30 of 404,780 alleles (0.0074%); highest among the groups gnomAD compares: Admixed American, 0.027%; no homozygotes.

Submissions (11):

ClinGen ACADVL Variant Curation Expert Panel, ClinGen
Classification: Likely pathogenic for Very long chain acyl-CoA dehydrogenase deficiency. Last evaluated: 2022-12-14. Review status: reviewed by expert panel. Criteria: clingen acadvl acmg specifications v1. Collection method: curation. Allele origin: germline. Inheritance: Autosomal recessive inheritance.
Comment: The c.1679-6G>A variant in ACADVL is an intronic variant which creates a novel acceptor site in intron 17, experimentally shown to cause insertion of four nucleotides and causes a frameshift (PS3_Supporting; PMID: 9709714). This variant has been reported in several individuals affected with very long chain acyl CoA dehydrogenase (VLCAD) deficiency confirmed in trans to at least one pathogenic variant, presumed in trans to distinct ACADVL variants, and in the homozygous state in at least two individuals (PM3_Strong; PMIDs:23480858, 9709714, 8845838). Fibroblasts derived from one of these individuals showed no detectable VLCAD activity, which is highly specific for VLCAD deficiency (PP4_Moderate; PMID: 234808). The highest population minor allele frequency in gnomAD v2.1.1 is 0.0002264 in the Latino/Admixed American population, which is lower than the ClinGen ACADVL Variant Curation Expert Panel threshold (<0.001) for PM2_Supporting, meeting this criterion (PM2_Supporting). In summary, this variant meets the criteria to be classified as likely pathogenic for autosomal recessive VLCAD deficiency based on the ACMG/AMP criteria applied, as specified by the ClinGen ACADVL Variant Curation Expert Panel: PS3_Supporting, PM3_Strong, PM2_Supporting, PP4_Moderate (ACADVL VCEP specifications version 1; approved November 8, 2021).

Natera, Inc.
Classification: Likely pathogenic for Very long chain acyl-CoA dehydrogenase deficiency. Last evaluated: 2025-10-23. Review status: criteria provided, single submitter. Criteria: Natera Variant Classification Schema (03/2026). Collection method: clinical testing. Allele origin: germline. Not counted in ClinVar's aggregate classification.
Comment: The c.1679-6G>A variant in ACADVL is an intronic variant located outside the canonical splice sites. This variant is rare in the general population with a frequency below the threshold expected for the associated phenotype(s). This variant has been observed in one or more individuals affected with the associated recessive disease, as either homozygous or compound heterozygous with a second variant (PMID: 27943070, 23480858, 9709714, 32870709). Functional studies show that this variant may disrupt protein function (PMID: 9709714). Computational prediction algorithms indicate this variant is likely to affect gene or protein function. Given the available evidence, this variant is classified as Likely Pathogenic.

Labcorp Genetics (formerly Invitae), Labcorp
Classification: Pathogenic for Very long chain acyl-CoA dehydrogenase deficiency. Last evaluated: 2025-10-04. Review status: criteria provided, single submitter. Criteria: Invitae Variant Classification Sherloc (09022015). Collection method: clinical testing. Allele origin: germline. Not counted in ClinVar's aggregate classification.
Comment: This sequence change falls in intron 17 of the ACADVL gene. It does not directly change the encoded amino acid sequence of the ACADVL protein. The frequency data for this variant in the population databases is considered unreliable, as metrics indicate poor data quality at this position in the gnomAD database. This variant has been observed in individual(s) with very long chain acyl-CoA dehydrogenase deficiency (PMID: 9709714, 9973285, 23480858). ClinVar contains an entry for this variant (Variation ID: 21019). Algorithms developed to predict the effect of sequence changes on RNA splicing suggest that this variant may disrupt the consensus splice site. For these reasons, this variant has been classified as Pathogenic.

GeneDx
Classification: Pathogenic. Last evaluated: 2025-08-05. Review status: criteria provided, single submitter. Criteria: GeneDx Variant Classification Process June 2021. Collection method: clinical testing. Allele origin: germline. Affected: yes. Not counted in ClinVar's aggregate classification.
Comment: This variant was found to result in abnormal splicing resulting in a frameshift variant in a gene for which loss of function is a known mechanism of disease (PMID: 9709714); This variant is associated with the following publications: (PMID: 23480858, 8845838, 9709714, 32870709)

Fulgent Genetics
Classification: Pathogenic for Very long chain acyl-CoA dehydrogenase deficiency. Last evaluated: 2024-05-29. Review status: criteria provided, single submitter. Criteria: ACMG Guidelines, 2015. Collection method: clinical testing. Allele origin: germline. Not counted in ClinVar's aggregate classification.

Baylor Genetics
Classification: Pathogenic for Very long chain acyl-CoA dehydrogenase deficiency. Last evaluated: 2023-11-19. Review status: criteria provided, single submitter. Criteria: ACMG Guidelines, 2015. Collection method: clinical testing. Allele origin: unknown. Not counted in ClinVar's aggregate classification.

ARUP Laboratories, Molecular Genetics and Genomics, ARUP Laboratories
Classification: Pathogenic for Very long chain acyl-CoA dehydrogenase deficiency. Last evaluated: 2020-04-02. Review status: criteria provided, single submitter. Criteria: ARUP Molecular Germline Variant Investigation Process. Collection method: clinical testing. Allele origin: germline. Not counted in ClinVar's aggregate classification.
Comment: The ACADVL c.1679-6G>A variant (rs113994171) is reported in the literature in multiple individuals affected with VLCAD deficiency, both in homozygous and compound heterozygous individuals (Andresen 1996, Andresen 1999, Cox 1998, Schiff 2013). This variant is found on only two chromosomes in the Genome Aggregation Database (2/92036 alleles), indicating it is not a common polymorphism. This is an intronic variant in a weakly conserved nucleotide, but computational analyses (Alamut v.2.11) predict that this variant may impact splicing by creating a novel cryptic acceptor splice site. Consistent with these predictions, analyses of mRNAs from individuals with this variant indicate decreased mRNA levels and insertion of four nucleotides due to usage of the cryptic splice acceptor (Andresen 1996, Cox 1998). Based on available information, this variant is considered to be pathogenic. References: Andresen BS et al. Clear correlation of genotype with disease phenotype in very-long-chain acyl-CoA dehydrogenase deficiency. Am J Hum Genet. 1999 Feb;64(2):479-94. Andresen BS et al. Cloning and characterization of human very-long-chain acyl-CoA dehydrogenase cDNA, chromosomal assignment of the gene and identification in four patients of nine different mutations within the VLCAD gene. Hum Mol Genet. 1996 Apr;5(4):461-72. Cox GF et al. Reversal of severe hypertrophic cardiomyopathy and excellent neuropsychologic outcome in very-long-chain acyl-coenzyme A dehydrogenase deficiency. J Pediatr. 1998 Aug;133(2):247-53. Schiff M et al. Molecular and cellular pathology of very-long-chain acyl-CoA dehydrogenase deficiency. Mol Genet Metab. 2013 May;109(1):21-7.

Women's Health and Genetics/Laboratory Corporation of America, LabCorp
Classification: Pathogenic for Very long chain acyl-CoA dehydrogenase deficiency. Last evaluated: 2020-01-06. Review status: criteria provided, single submitter. Criteria: LabCorp Variant Classification Summary - May 2015. Collection method: clinical testing. Allele origin: germline. Not counted in ClinVar's aggregate classification.
Comment: Variant summary: ACADVL c.1679-6G>A alters a non-conserved nucleotide located close to a canonical splice site and therefore could affect mRNA splicing, leading to a significantly altered protein sequence. Several computational tools predict a significant impact on normal splicing: Four predict the variant creates a cryptic 3' acceptor site. One predicts the variant abolishes a 3' acceptor site and another that it weakens a 3' acceptor site. Experimental evidence also suggests that this variant affects normal mRNA splicing (Cox_1998, Andresen_1999). The variant allele was found at a frequency of 2.2e-05 in 92036 control chromosomes (gnomAD). c.1679-6G>A has been reported in the literature in multiple individuals affected with Very Long Chain Acyl-CoA Dehydrogenase Deficiency (Cox_1998, Andresen_1999, Schiff_2013). VLCAD enzymatic activity was not detected from patient's fibroblasts samples who harbored this variant and another pathogenic variant (Schiff_2013).These data indicate that the variant is very likely to be associated with disease. Four ClinVar submitters (evaluation after 2014) cite the variant as pathogenic/likely pathogenic. Based on the evidence outlined above, the variant was classified as pathogenic.

Wong Mito Lab, Molecular and Human Genetics, Baylor College of Medicine
Classification: Pathogenic for Very long chain acyl-CoA dehydrogenase deficiency. Last evaluated: 2019-11-01. Review status: criteria provided, single submitter. Criteria: ACMG Guidelines, 2015. Collection method: clinical testing. Allele origin: germline. Not counted in ClinVar's aggregate classification.
Comment: The NM_000018.3:c.1679-6G>A (NP_000009.1:p.?) [GRCH38: NC_000017.11:g.7224636G>A] variant in ACADVL gene is interpretated to be Pathogenic based on ACMG guidelines (PMID: 25741868). This variant has been reported in PMID: 9709714. This variant meets the following evidence codes reported in the ACMG guidelines: PVS1, PS3

PreventionGenetics, part of Exact Sciences
Classification: Pathogenic for ACADVL-related condition. Last evaluated: 2023-10-31. Review status: no assertion criteria provided. Collection method: clinical testing. Allele origin: germline. Not counted in ClinVar's aggregate classification.
Comment: The ACADVL c.1679-6G>A variant is predicted to interfere with splicing. This variant has been reported in the apparent homozygous state or heterozygous state with a known pathogenic variant in patients with enzymatically confirmed very long chain acyl-CoA dehydrogenase deficiency (VLCADD) (described as Ins4bp-1679 in Andresen et al. 1996. PubMed ID: 8845838; Figure 2 in Cox et al. 1998. PubMed ID: 9709714; Schiff et al. 2013. PubMed ID: 23480858). It has also been reported on five alleles from four patients with clinically suspected VLCADD (described as -6G-->A in intron 17 in Andresen et al. 1999. PubMed ID: 9973285). Available splicing prediction programs suggest that this variant would weaken the nearby canonical splice acceptor site and create a novel splice acceptor site 4 nucleotides upstream (Alamut Visual v2.11). Consistent with this prediction, based on cDNA analysis this variant was confirmed to lead to aberrant splicing and the insertion of an additional 4 nucleotides, predicted to lead to a frameshift and premature protein termination. Additionally, this variant has been reported to lead to decreased mRNA level (Andresen et al. 1996. PubMed ID: 8845838; Cox et al. 1998. PubMed ID: 9709714). This variant is reported in 0.023% of alleles in individuals of Latino descent in gnomAD. Taken together, this variant is interpreted as pathogenic.

Counsyl
Classification: Likely pathogenic for Very long chain acyl-CoA dehydrogenase deficiency. Last evaluated: 2015-01-29. Review status: no assertion criteria provided. Collection method: literature only. Allele origin: unknown. Inheritance: Autosomal recessive inheritance. Not counted in ClinVar's aggregate classification.

Literature cited by the submitters: PubMed 9709714 (cited by 6 submitters); PubMed 27943070 (cited by Natera, Inc.); PubMed 23480858 (cited by 4 submitters); PubMed 32870709 (cited by Natera, Inc.); PubMed 9973285 (cited by 3 submitters); PubMed 12122118 (cited by Counsyl); PubMed 8845838 (cited by Counsyl).